The following is an entry in ClinVar:

ClinVar aggregate classification (germline): Pathogenic (1 of 4 stars; one submission).

Allele frequency attached by ClinVar (database versions not stated): gnomAD exomes 0.00001.
gnomAD v4.1: 8 of 1,548,544 alleles (0.00052%); highest among the groups gnomAD compares: Non-Finnish European, 0.0007%; no homozygotes.

Submission:

Labcorp Genetics (formerly Invitae), Labcorp
Classification: Pathogenic. Last evaluated: 2022-06-28. Review status: criteria provided, single submitter. Criteria: Invitae Variant Classification Sherloc (09022015). Collection method: clinical testing. Allele origin: germline.
Comment: This sequence change creates a premature translational stop signal (p.Tyr1086*) in the DNHD1 gene. It is expected to result in an absent or disrupted protein product. Loss-of-function variants in DNHD1 are known to be pathogenic (PMID: 34932939). This variant is not present in population databases (gnomAD no frequency). This variant has not been reported in the literature in individuals affected with DNHD1-related conditions. For these reasons, this variant has been classified as Pathogenic.

Literature cited by the submitters: PubMed 34932939.

NM_144666.3(DNHD1):c.3258C>A (p.Tyr1086Ter)

Gene: DNHD1 (dynein heavy chain domain 1; plus strand). Cytogenetic location: 11p15.4.
Variant type: single nucleotide variant.
Coding change: c.3258C>A on transcript NM_144666.3 (MANE Select); coding-DNA position 3258, C replaced by A.
Protein change: p.Tyr1086Ter; replaces tyrosine 1086 with a stop codon.
Molecular consequence: nonsense.
Genome position (GRCh38, 1-based): chr11:6,538,743, C>A. VCF-style: chr11-6538743-C-A. GRCh37 (hg19) VCF-style: chr11-6559973-C-A.
Other names: short protein forms Y1086*.
Identifiers: ClinVar variation 2193620 (VCV002193620.1), dbSNP rs942394169, ClinGen allele CA217306530.